The following is an entry in ClinVar:

ClinVar aggregate classification (germline): Conflicting classifications of pathogenicity. Review status: criteria provided, conflicting classifications (1 of 4 stars). 7 submissions from 7 submitters: Uncertain significance (2); Likely benign (4). 1 of the submissions does not count toward it. Last evaluated 2026-01-28.

Conditions:
Epidermolysis bullosa, junctional 3A, intermediate. Also called: EPIDERMOLYSIS BULLOSA, JUNCTIONAL 3A, GENERALIZED INTERMEDIATE; EPIDERMOLYSIS BULLOSA, JUNCTIONAL 3A, NON-HERLITZ TYPE. Identifiers: MedGen C5676938, MONDO:0030748, OMIM 619785.
Epidermolysis bullosa, junctional 3B, severe. Also called: EPIDERMOLYSIS BULLOSA, JUNCTIONAL 3B, GENERALIZED SEVERE; EPIDERMOLYSIS BULLOSA, JUNCTIONAL 3B, HERLITZ TYPE. Identifiers: MedGen C5676939, MONDO:0030749, OMIM 619786.
Junctional epidermolysis bullosa gravis of Herlitz. Also called: EPIDERMOLYSIS BULLOSA JUNCTIONALIS, HERLITZ TYPE; EPIDERMOLYSIS BULLOSA, JUNCTIONAL, HERLITZ-PEARSON TYPE; JEB-HERLITZ TYPE; EPIDERMOLYSIS BULLOSA, JUNCTIONAL 1B, SEVERE; Epidermolysis Bullosa Letalis; Herlitz-type junctional epidermolysis bullosa. Identifiers: Orphanet 79404, MedGen C0079683, MONDO:0009182, OMIM 226700.
LAMC2-related disorder. Also called: LAMC2-related condition.
Junctional epidermolysis bullosa. Identifiers: Orphanet 305, MedGen C0079301, MONDO:0017612.

Allele frequency attached by ClinVar (database versions not stated): 1000 Genomes Project 30x 0.00078; 1000 Genomes Project 0.00100; gnomAD 0.00144; TOPMed 0.00147; ESP Exome Variant Server 0.00154; gnomAD exomes 0.00166 and 0.00244; ExAC 0.00182.
gnomAD v4.1: 3,769 of 1,614,226 alleles (0.23%); highest among the groups gnomAD compares: Non-Finnish European, 0.28%; 5 homozygotes.

Submissions (7):

Labcorp Genetics (formerly Invitae), Labcorp
Classification: Likely benign. Last evaluated: 2026-01-28. Review status: criteria provided, single submitter. Criteria: Invitae Variant Classification Sherloc (09022015). Collection method: clinical testing. Allele origin: germline.

Blueprint Genetics
Classification: Likely benign. Last evaluated: 2024-11-25. Review status: criteria provided, single submitter. Criteria: ACMG Guidelines, 2015. Collection method: clinical testing. Allele origin: germline.

Department of Pathology and Laboratory Medicine, Sinai Health System
Classification: Uncertain significance for Junctional epidermolysis bullosa gravis of Herlitz; Epidermolysis bullosa, junctional 3A, intermediate; Epidermolysis bullosa, junctional 3B, severe. Last evaluated: 2021-11-29. Review status: criteria provided, single submitter. Criteria: ACMG Guidelines, 2015. Collection method: research. Allele origin: germline.

Genome-Nilou Lab
Classification: Likely benign for Junctional epidermolysis bullosa gravis of Herlitz. Last evaluated: 2021-06-10. Review status: criteria provided, single submitter. Criteria: ACMG Guidelines, 2015. Collection method: clinical testing. Allele origin: germline. Affected: no.

Illumina Laboratory Services, Illumina
Classification: Likely benign for Junctional epidermolysis bullosa. Last evaluated: 2018-01-13. Review status: criteria provided, single submitter. Criteria: ICSL Variant Classification Criteria 13 December 2019. Collection method: clinical testing. Allele origin: germline.
Comment: This variant was observed in the ICSL laboratory as part of a predisposition screen in an ostensibly healthy population. It had not been previously curated by ICSL or reported in the Human Gene Mutation Database (HGMD: prior to June 1st, 2018), and was therefore a candidate for classification through an automated scoring system. Utilizing variant allele frequency, disease prevalence and penetrance estimates, and inheritance mode, an automated score was calculated to assess if this variant is too frequent to cause the disease. Based on the score and internal cut-off values, a variant classified as likely benign is not then subjected to further curation. The score for this variant resulted in a classification of likely benign for this disease.

Eurofins Ntd Llc (ga)
Classification: Uncertain significance. Last evaluated: 2016-08-24. Review status: criteria provided, single submitter. Criteria: EGL Classification Definitions 2015. Collection method: clinical testing. Allele origin: germline. Observed: 1 variant allele, 1 heterozygote.

PreventionGenetics, part of Exact Sciences
Classification: Likely benign for LAMC2-related condition. Last evaluated: 2024-05-10. Review status: no assertion criteria provided. Collection method: clinical testing. Allele origin: germline. Not counted in ClinVar's aggregate classification.
Comment: This variant is classified as likely benign based on ACMG/AMP sequence variant interpretation guidelines (Richards et al. 2015 PMID: 25741868, with internal and published modifications).

NM_005562.3(LAMC2):c.889A>G (p.Thr297Ala)

Gene: LAMC2 (laminin subunit gamma 2; plus strand). Cytogenetic location: 1q25.3.
Variant type: single nucleotide variant.
Coding change: c.889A>G on transcript NM_005562.3 (MANE Select); coding-DNA position 889, A replaced by G.
Protein change: p.Thr297Ala; replaces threonine 297 with alanine.
Molecular consequence: missense variant.
Genome position (GRCh38, 1-based): chr1:183,223,260, A>G. VCF-style: chr1-183223260-A-G. GRCh37 (hg19) VCF-style: chr1-183192395-A-G.
Other names: c.889A>G, p.Thr297Ala (NM_018891.3); short protein forms T297A.
Identifiers: ClinVar variation 290575 (VCV000290575.21), dbSNP rs143817389, ClinGen allele CA1282462.
Genomic context (GRCh38, chr1:183,223,260, plus strand): 5'-AGAGGAGGCAGACACCCATCTGCCCATGATGTGATTCTGGAAGGTGCTGGTCTACGGATC[A>G]CAGCTCCCTTGATGCCACTTGGCAAGACACTGCCTTGTGGGCTCACCAAGACTTACACAT-3'
Protein context (NP_005553.2, residues 287-307): VILEGAGLRI[Thr297Ala]APLMPLGKTL